The following is an entry in ClinVar:

NM_014712.3(SETD1A):c.3421C>T (p.Pro1141Ser)

Gene: SETD1A (SET domain containing 1A, histone lysine methyltransferase; plus strand). Cytogenetic location: 16p11.2.
Variant type: single nucleotide variant.
Coding change: c.3421C>T on transcript NM_014712.3 (MANE Select); coding-DNA position 3421, C replaced by T.
Protein change: p.Pro1141Ser; replaces proline 1141 with serine.
Molecular consequence: missense variant.
Genome position (GRCh38, 1-based): chr16:30,979,207, C>T. VCF-style: chr16-30979207-C-T. GRCh37 (hg19) VCF-style: chr16-30990528-C-T.
Other names: short protein forms P1141S.
Identifiers: ClinVar variation 2340891 (VCV002340891.3), dbSNP rs2543900286, ClinGen allele CA395626614.
Genomic context (GRCh38, chr16:30,979,207, plus strand): 5'-CCCACGGAGGAGTCACCCCCCAGTGCGCCTCTGCGTCCCCCAGAACCACCTGCTGGGCCC[C>T]CGGCCCCTGCCCCACGCCCCGATGAGCGTCCCTCTTCTCCCATCCCCCTCCTGCCCCCAC-3'
Protein context (NP_055527.1, residues 1131-1151): LRPPEPPAGP[Pro1141Ser]APAPRPDERP

ClinVar aggregate classification (germline): Uncertain significance (1 of 4 stars; one submission).

Conditions:
Inborn genetic diseases. Identifiers: MedGen C0950123, MeSH D030342.

Submission:

Ambry Genetics
Classification: Uncertain significance for Inborn genetic diseases. Last evaluated: 2023-02-17. Review status: criteria provided, single submitter. Criteria: Ambry Variant Classification Scheme 2023. Collection method: clinical testing. Allele origin: germline.
Comment: The c.3421C>T (p.P1141S) alteration is located in exon 14 (coding exon 13) of the SETD1A gene. This alteration results from a C to T substitution at nucleotide position 3421, causing the proline (P) at amino acid position 1141 to be replaced by a serine (S). This variant was not reported in population-based cohorts in the Genome Aggregation Database (gnomAD). This amino acid position is poorly conserved in available vertebrate species. This alteration is predicted to be tolerated by in silico analysis. Based on insufficient or conflicting evidence, the clinical significance of this alteration remains unclear.